The following is an entry in ClinVar:

ClinVar aggregate classification (germline): Uncertain significance (1 of 4 stars; one submission).

Submission:

Labcorp Genetics (formerly Invitae), Labcorp
Classification: Uncertain significance. Last evaluated: 2022-10-24. Review status: criteria provided, single submitter. Criteria: Invitae Variant Classification Sherloc (09022015). Collection method: clinical testing. Allele origin: germline.
Comment: This variant has not been reported in the literature in individuals affected with PDZD7-related conditions. This sequence change replaces serine, which is neutral and polar, with arginine, which is basic and polar, at codon 842 of the PDZD7 protein (p.Ser842Arg). This variant is not present in population databases (gnomAD no frequency). ClinVar contains an entry for this variant (Variation ID: 950157). Algorithms developed to predict the effect of missense changes on protein structure and function are either unavailable or do not agree on the potential impact of this missense change (SIFT: "Tolerated"; PolyPhen-2: "Not Available"; Align-GVGD: "Class C0"). In summary, the available evidence is currently insufficient to determine the role of this variant in disease. Therefore, it has been classified as a Variant of Uncertain Significance.

NM_001195263.2(PDZD7):c.2526T>A (p.Ser842Arg)

Gene: PDZD7 (PDZ domain containing 7; minus strand). Cytogenetic location: 10q24.31.
Variant type: single nucleotide variant.
Coding change: c.2526T>A on transcript NM_001195263.2 (MANE Select); coding-DNA position 2526, T replaced by A.
Protein change: p.Ser842Arg; replaces serine 842 with arginine.
Molecular consequence: missense variant.
Genome position (GRCh38, 1-based): chr10:101,010,363, A>T on the plus strand (T>A on the coding strand, the complement: PDZD7 is on the minus strand). VCF-style: chr10-101010363-A-T. GRCh37 (hg19) VCF-style: chr10-102770120-A-T.
Other names: short protein forms S842R.
Identifiers: ClinVar variation 950157 (VCV000950157.8), dbSNP rs1852351873, ClinGen allele CA378223934.